The following is an entry in ClinVar:

NM_000268.4(NF2):c.1281G>A (p.Glu427=)

Gene: NF2 (NF2, moesin-ezrin-radixin like (MERLIN) tumor suppressor; plus strand). Cytogenetic location: 22q12.2.
Variant type: single nucleotide variant.
Coding change: c.1281G>A on transcript NM_000268.4 (MANE Select); coding-DNA position 1281, G replaced by A.
Protein change: p.Glu427=; no amino-acid change (glutamic acid 427 retained).
Molecular consequence: synonymous variant. On other transcripts: intron variant (1).
Genome position (GRCh38, 1-based): chr22:29,673,427, G>A. VCF-style: chr22-29673427-G-A. GRCh37 (hg19) VCF-style: chr22-30069416-G-A.
Other names: c.1167G>A, p.Glu389= (NM_001407053.1, NM_001407056.1); c.1158G>A, p.Glu386= (NM_001407054.1, NM_001407058.1, NM_181829.3); c.1155G>A, p.Glu385= (NM_001407055.1, NM_181828.3); c.1146G>A, p.Glu382= (NM_001407057.1, NM_001407059.1); c.1281G>A, p.Glu427= (NM_001407060.1, NM_001407066.1, NM_016418.5 and 2 more transcripts); c.1023G>A, p.Glu341= (NM_001407062.1); c.1032G>A, p.Glu344= (NM_001407063.1, NM_001407064.1, NM_181830.3 and 1 more transcripts); c.747G>A, p.Glu249= (NM_001407065.1); and 2 more.
Identifiers: ClinVar variation 3388945 (VCV003388945.17).

ClinVar aggregate classification (germline): Likely benign. Review status: criteria provided, multiple submitters, no conflicts (2 of 4 stars). 3 submissions from 3 submitters: Likely benign (3). Last evaluated 2026-01-20.

Conditions:
Neurofibromatosis, type 2 (SWNV). Also called: BILATERAL ACOUSTIC NEUROFIBROMATOSIS; SCHWANNOMATOSIS, VESTIBULAR; NF2-Related Schwannomatosis. Identifiers: Orphanet 637, MedGen C0027832, MONDO:0007039, OMIM 101000. Disease mechanism: loss of function.
Hereditary cancer-predisposing syndrome. Also called: Neoplastic Syndromes, Hereditary; Tumor predisposition; Hereditary Cancer Syndrome; Hereditary neoplastic syndrome. Identifiers: Orphanet 140162, MedGen C0027672, MeSH D009386, MONDO:0015356.

gnomAD v4.1: 2 of 1,612,732 alleles (0.00012%); highest among the groups gnomAD compares: East Asian, 0.0022%; no homozygotes.

Submissions (3):

Labcorp Genetics (formerly Invitae), Labcorp
Classification: Likely benign for Neurofibromatosis, type 2. Last evaluated: 2026-01-20. Review status: criteria provided, single submitter. Criteria: Invitae Variant Classification Sherloc (09022015). Collection method: clinical testing. Allele origin: germline.

Ambry Genetics
Classification: Likely benign for Hereditary cancer-predisposing syndrome. Last evaluated: 2024-09-13. Review status: criteria provided, single submitter. Criteria: Ambry Variant Classification Scheme 2023. Collection method: clinical testing. Allele origin: germline.

CeGaT Center for Human Genetics Tuebingen
Classification: Likely benign. Last evaluated: 2024-09-01. Review status: criteria provided, single submitter. Criteria: CeGaT Center For Human Genetics Tuebingen Variant Classification Criteria Version 2. Collection method: clinical testing. Allele origin: germline. Affected: yes. Observed: 1 variant allele.
Comment: NF2: BP4, BP7